The following is an entry in ClinVar:

ClinVar aggregate classification (germline): Uncertain significance. Review status: criteria provided, multiple submitters, no conflicts (2 of 4 stars). 2 submissions from 2 submitters: Uncertain significance (2). Last evaluated 2025-12-01.

Conditions:
Thyroid dyshormonogenesis 6 (TDH6). Also called: HYPOTHYROIDISM, CONGENITAL, DUE TO DYSHORMONOGENESIS, 6; THYROID HORMONOGENESIS, GENETIC DEFECT IN, 6; Genetic transient congenital hypothyroidism. Identifiers: Orphanet 226316, Orphanet 95716, MedGen C1846632, MONDO:0011792, OMIM 607200.

Allele frequency attached by ClinVar (database versions not stated): TOPMed 0.00002.
gnomAD v4.1: 16 of 1,614,000 alleles (0.00099%); highest among the groups gnomAD compares: Non-Finnish European, 0.0013%; no homozygotes.

Submissions (2):

Labcorp Genetics (formerly Invitae), Labcorp
Classification: Uncertain significance. Last evaluated: 2025-12-01. Review status: criteria provided, single submitter. Criteria: Invitae Variant Classification Sherloc (09022015). Collection method: clinical testing. Allele origin: germline.
Comment: This sequence change replaces valine, which is neutral and non-polar, with leucine, which is neutral and non-polar, at codon 1533 of the DUOX2 protein (p.Val1533Leu). This variant is present in population databases (rs748789760, gnomAD 0.002%). This variant has not been reported in the literature in individuals affected with DUOX2-related conditions. ClinVar contains an entry for this variant (Variation ID: 1041994). Invitae Evidence Modeling of protein sequence and biophysical properties (such as structural, functional, and spatial information, amino acid conservation, physicochemical variation, residue mobility, and thermodynamic stability) indicates that this missense variant is not expected to disrupt DUOX2 protein function with a negative predictive value of 95%. In summary, the available evidence is currently insufficient to determine the role of this variant in disease. Therefore, it has been classified as a Variant of Uncertain Significance.

Revvity Omics, Revvity
Classification: Uncertain significance for Thyroid dyshormonogenesis 6. Last evaluated: 2022-08-30. Review status: criteria provided, single submitter. Criteria: ACMG Guidelines, 2015. Collection method: clinical testing. Allele origin: germline.

NM_001363711.2(DUOX2):c.4597G>C (p.Val1533Leu)

Gene: DUOX2 (dual oxidase 2; minus strand). Cytogenetic location: 15q21.1.
Variant type: single nucleotide variant.
Coding change: c.4597G>C on transcript NM_001363711.2 (MANE Select); coding-DNA position 4597, G replaced by C.
Protein change: p.Val1533Leu; replaces valine 1533 with leucine.
Molecular consequence: missense variant.
Genome position (GRCh38, 1-based): chr15:45,094,200, C>G on the plus strand (G>C on the coding strand, the complement: DUOX2 is on the minus strand). VCF-style: chr15-45094200-C-G. GRCh37 (hg19) VCF-style: chr15-45386398-C-G.
Other names: c.4597G>C (NM_014080.4); c.4597G>C, p.Val1533Leu (NM_014080.5); short protein forms V1533L.
Identifiers: ClinVar variation 1041994 (VCV001041994.10), dbSNP rs748789760, ClinGen allele CA7537457.